The following is an entry in ClinVar:

ClinVar aggregate classification (germline): Uncertain significance (1 of 4 stars; one submission).

Submission:

Labcorp Genetics (formerly Invitae), Labcorp
Classification: Uncertain significance. Last evaluated: 2022-07-03. Review status: criteria provided, single submitter. Criteria: Invitae Variant Classification Sherloc (09022015). Collection method: clinical testing. Allele origin: germline.
Comment: In summary, the available evidence is currently insufficient to determine the role of this variant in disease. Therefore, it has been classified as a Variant of Uncertain Significance. Algorithms developed to predict the effect of missense changes on protein structure and function are either unavailable or do not agree on the potential impact of this missense change (SIFT: "Deleterious"; PolyPhen-2: "Probably Damaging"; Align-GVGD: "Class C0"). This variant has not been reported in the literature in individuals affected with PLCE1-related conditions. This variant is not present in population databases (gnomAD no frequency). This sequence change replaces aspartic acid, which is acidic and polar, with histidine, which is basic and polar, at codon 1795 of the PLCE1 protein (p.Asp1795His).

NM_016341.4(PLCE1):c.5383G>C (p.Asp1795His)

Gene: PLCE1 (phospholipase C epsilon 1; plus strand). Cytogenetic location: 10q23.33.
Variant type: single nucleotide variant.
Coding change: c.5383G>C on transcript NM_016341.4 (MANE Select); coding-DNA position 5383, G replaced by C.
Protein change: p.Asp1795His; replaces aspartic acid 1795 with histidine.
Molecular consequence: missense variant.
Genome position (GRCh38, 1-based): chr10:94,298,594, G>C. VCF-style: chr10-94298594-G-C. GRCh37 (hg19) VCF-style: chr10-96058351-G-C.
Other names: c.4459G>C, p.Asp1487His (NM_001165979.2); c.5335G>C, p.Asp1779His (NM_001288989.2); short protein forms D1779H, D1795H, D1487H.
Identifiers: ClinVar variation 2010067 (VCV002010067.4), dbSNP rs2052925360, ClinGen allele CA377642106.